The following is an entry in ClinVar:

ClinVar aggregate classification (germline): Benign. Review status: criteria provided, multiple submitters, no conflicts (2 of 4 stars). 2 submissions from 2 submitters: Benign (2). Last evaluated 2026-02-01.

Conditions:
MEGF10-related myopathy (CMYO10A). Also called: Congenital myopathy 10A, severe variant. Identifiers: Orphanet 439212, MedGen C3280679, MONDO:0013731, OMIM 614399.

Allele frequency attached by ClinVar (database versions not stated): ESP Exome Variant Server 0.01107; TOPMed 0.01269; gnomAD 0.01625; 1000 Genomes Project 30x 0.01889; 1000 Genomes Project 0.01977.
gnomAD v4.1: 26,734 of 1,596,978 alleles (1.7%); highest among the groups gnomAD compares: East Asian, 4%; 297 homozygotes.

Submissions (2):

Labcorp Genetics (formerly Invitae), Labcorp
Classification: Benign for MEGF10-related myopathy. Last evaluated: 2026-02-01. Review status: criteria provided, single submitter. Criteria: Invitae Variant Classification Sherloc (09022015). Collection method: clinical testing. Allele origin: germline.

GeneDx
Classification: Benign. Last evaluated: 2016-03-10. Review status: criteria provided, single submitter. Criteria: GeneDx Variant Classification (06012015). Collection method: clinical testing. Allele origin: germline. Affected: yes.
Comment: This variant is considered likely benign or benign based on one or more of the following criteria: it is a conservative change, it occurs at a poorly conserved position in the protein, it is predicted to be benign by multiple in silico algorithms, and/or has population frequency not consistent with disease.

NM_001256545.2(MEGF10):c.1841-20G>A

Gene: MEGF10 (multiple EGF like domains 10; plus strand). Cytogenetic location: 5q23.2.
Variant type: single nucleotide variant.
Coding change: c.1841-20G>A on transcript NM_001256545.2 (MANE Select); 20 bases into the intron before coding-DNA position 1841, G replaced by A.
Molecular consequence: intron variant.
Genome position (GRCh38, 1-based): chr5:127,434,667, G>A. VCF-style: chr5-127434667-G-A. GRCh37 (hg19) VCF-style: chr5-126770359-G-A.
Other names: c.1841-20G>A (NM_032446.3).
Identifiers: ClinVar variation 382674 (VCV000382674.14), dbSNP rs79904777, ClinGen allele CA3391755.